The following is an entry in ClinVar:

ClinVar aggregate classification (germline): Benign/Likely benign. Review status: criteria provided, multiple submitters, no conflicts (2 of 4 stars). 5 submissions from 5 submitters: Benign (3); Likely benign (1). 1 of the submissions does not count toward it. Last evaluated 2026-02-02.

Conditions:
COL18A1-related disorder. Also called: COL18A1-related condition; COL18A1-related disorders.

Allele frequency attached by ClinVar (database versions not stated): gnomAD exomes 0.00047 and 0.00123; ExAC 0.00161; 1000 Genomes Project 0.00459; gnomAD 0.00515 and 0.00549; 1000 Genomes Project 30x 0.00531; TOPMed 0.00574; ESP Exome Variant Server 0.00640.
gnomAD v4.1: 1,477 of 1,613,116 alleles (0.092%); highest among the groups gnomAD compares: African/African-American, 1.8%; 11 homozygotes.

Submissions (5):

Labcorp Genetics (formerly Invitae), Labcorp
Classification: Benign. Last evaluated: 2026-02-02. Review status: criteria provided, single submitter. Criteria: Invitae Variant Classification Sherloc (09022015). Collection method: clinical testing. Allele origin: germline.

Blueprint Genetics
Classification: Likely benign. Last evaluated: 2024-11-25. Review status: criteria provided, single submitter. Criteria: ACMG Guidelines, 2015. Collection method: clinical testing. Allele origin: germline.

Athena Diagnostics
Classification: Benign. Last evaluated: 2016-09-20. Review status: criteria provided, single submitter. Criteria: Athena Diagnostics Criteria. Collection method: clinical testing. Allele origin: germline.

Breakthrough Genomics
Classification: Benign. Review status: criteria provided, single submitter. Criteria: ACMG Guidelines, 2015. Collection method: not provided. Allele origin: germline. Inheritance: Autosomal recessive inheritance. Affected: yes.

PreventionGenetics, part of Exact Sciences
Classification: Benign for COL18A1-related condition. Last evaluated: 2019-05-08. Review status: no assertion criteria provided. Collection method: clinical testing. Allele origin: germline. Not counted in ClinVar's aggregate classification.
Comment: This variant is classified as benign based on ACMG/AMP sequence variant interpretation guidelines (Richards et al. 2015 PMID: 25741868, with internal and published modifications).

Literature cited by the submitters: PubMed 24507774 (cited by Athena Diagnostics); PubMed 25024173 (cited by Athena Diagnostics); PubMed 14695535 (cited by Athena Diagnostics); PubMed 23040494 (cited by Athena Diagnostics).

NM_001379500.1(COL18A1):c.107-12381G>A

Gene: COL18A1 (collagen type XVIII alpha 1 chain; plus strand). Cytogenetic location: 21q22.3.
Variant type: single nucleotide variant.
Coding change: c.107-12381G>A on transcript NM_001379500.1 (MANE Select); 12381 bases into the intron before coding-DNA position 107, G replaced by A.
Molecular consequence: intron variant. On other transcripts: missense variant (2).
Genome position (GRCh38, 1-based): chr21:45,455,861, G>A. VCF-style: chr21-45455861-G-A. GRCh37 (hg19) VCF-style: chr21-46875775-G-A.
Other names: c.331G>A, p.Gly111Arg (NM_030582.4, NM_130444.3); short protein forms G111R.
Identifiers: ClinVar variation 447126 (VCV000447126.14), dbSNP rs114139997, ClinGen allele CA10065444.